The following is an entry in ClinVar:

ClinVar aggregate classification (germline): Uncertain significance (1 of 4 stars; one submission).

gnomAD v4.1: 1 of 1,612,244 alleles (0.000062%); highest among the groups gnomAD compares: South Asian, 0.0011%; no homozygotes.

Submission:

Labcorp Genetics (formerly Invitae), Labcorp
Classification: Uncertain significance. Last evaluated: 2025-04-11. Review status: criteria provided, single submitter. Criteria: Invitae Variant Classification Sherloc (09022015). Collection method: clinical testing. Allele origin: germline.
Comment: This sequence change replaces leucine, which is neutral and non-polar, with valine, which is neutral and non-polar, at codon 374 of the RFWD3 protein (p.Leu374Val). This variant is not present in population databases (gnomAD no frequency). This variant has not been reported in the literature in individuals affected with RFWD3-related conditions. An algorithm developed to predict the effect of missense changes on protein structure and function (PolyPhen-2) suggests that this variant is likely to be disruptive. In summary, the available evidence is currently insufficient to determine the role of this variant in disease. Therefore, it has been classified as a Variant of Uncertain Significance.

NM_018124.4(RFWD3):c.1120T>G (p.Leu374Val)

Gene: RFWD3 (ring finger and WD repeat domain 3; minus strand). Cytogenetic location: 16q23.1.
Variant type: single nucleotide variant.
Coding change: c.1120T>G on transcript NM_018124.4 (MANE Select); coding-DNA position 1120, T replaced by G.
Protein change: p.Leu374Val; replaces leucine 374 with valine.
Molecular consequence: missense variant.
Genome position (GRCh38, 1-based): chr16:74,637,930, A>C on the plus strand (T>G on the coding strand, the complement: RFWD3 is on the minus strand). VCF-style: chr16-74637930-A-C. GRCh37 (hg19) VCF-style: chr16-74671828-A-C.
Other names: c.286T>G, p.Leu96Val (NM_001370543.1, NM_001370537.1, NM_001370539.1 and 2 more transcripts); c.1120T>G, p.Leu374Val (NM_001370534.1, NM_001370535.1, NM_001370536.1); short protein forms L374V, L96V.
Identifiers: ClinVar variation 4762419 (VCV004762419.1).